The following is an entry in ClinVar:

ClinVar aggregate classification (germline): Uncertain significance (1 of 4 stars; one submission).

Submission:

Mayo Clinic Laboratories, Mayo Clinic
Classification: Uncertain significance. Last evaluated: 2024-09-05. Review status: criteria provided, single submitter. Criteria: ACMG Guidelines, 2015. Collection method: clinical testing. Allele origin: germline. Observed: 1 variant allele.
Comment: PM2

NM_005219.5(DIAPH1):c.1875_1876delinsAC (p.Cys626Arg)

Gene: DIAPH1 (diaphanous related formin 1; minus strand). Cytogenetic location: 5q31.3.
Variant type: Indel.
Coding change: c.1875_1876delinsAC on transcript NM_005219.5 (MANE Select); coding-DNA positions 1875 to 1876, TT replaced by AC.
Protein change: p.Cys626Arg; replaces cysteine 626 with arginine.
Molecular consequence: missense variant.
Genome position (GRCh38, 1-based): chr5:141,573,974-141,573,975, AA replaced by GT on the plus strand (TT replaced by AC on the coding strand, the reverse complement: DIAPH1 is on the minus strand). VCF-style: chr5-141573974-AA-GT. GRCh37 (hg19) VCF-style: chr5-140953541-AA-GT.
Other names: p.Cys626Arg; c.1848_1849delinsAC, p.Cys617Arg (NM_001079812.3); c.1875_1876delinsAC, p.Cys626Arg (NM_001314007.2); short protein forms C617R, C626R.
Identifiers: ClinVar variation 3379604 (VCV003379604.1).
Genomic context (GRCh38, chr5:141,573,974, plus strand): 5'-ACAAAGGAGGGGGTGGAGAGATAGCAGTACCTCCAGGTAAAGAAGGGGGTGAGGAGATGC[AA>GT]ACACCCCCAGGCAAAGGAGGTGGAGGAGGAGGAGGAGGAGGAGGAGGAGGAGGAGTGGTA-3'
Protein context (NP_005210.3, residues 616-636): PPPPPLPGGV[Cys626Arg]ISSPPSLPGG